The following is an entry in ClinVar:

NM_000297.4(PKD2):c.621G>A (p.Glu207=)

Gene: PKD2 (polycystin 2, transient receptor potential cation channel; plus strand). Cytogenetic location: 4q22.1.
Variant type: single nucleotide variant.
Coding change: c.621G>A on transcript NM_000297.4 (MANE Select); coding-DNA position 621, G replaced by A.
Protein change: p.Glu207=; no amino-acid change (glutamic acid 207 retained).
Molecular consequence: synonymous variant. On other transcripts: non-coding transcript variant (1).
Genome position (GRCh38, 1-based): chr4:88,019,483, G>A. VCF-style: chr4-88019483-G-A. GRCh37 (hg19) VCF-style: chr4-88940635-G-A.
Identifiers: ClinVar variation 746213 (VCV000746213.4), dbSNP rs769630264, ClinGen allele CA3003747.

ClinVar aggregate classification (germline): Likely benign. Review status: criteria provided, multiple submitters, no conflicts (2 of 4 stars). 2 submissions from 2 submitters: Likely benign (2). Last evaluated 2026-01-18.

Conditions:
PKD2-related disorder. Also called: PKD2-related condition.

Allele frequency attached by ClinVar (database versions not stated): gnomAD exomes below 0.00001 and 0.00001; ExAC 0.00001; gnomAD 0.00001; TOPMed 0.00001.
gnomAD v4.1: 6 of 1,595,714 alleles (0.00038%); highest among the groups gnomAD compares: Admixed American, 0.0033%; no homozygotes.

Submissions (2):

PreventionGenetics, part of Exact Sciences
Classification: Likely benign for PKD2-related condition. Last evaluated: 2026-01-18. Review status: criteria provided, single submitter. Criteria: ACMG Guidelines, 2015. Collection method: clinical testing. Allele origin: germline.
Comment: This variant is classified as likely benign based on ACMG/AMP sequence variant interpretation guidelines (Richards et al. 2015 PMID: 25741868, with internal and published modifications).

Labcorp Genetics (formerly Invitae), Labcorp
Classification: Likely benign. Last evaluated: 2018-05-25. Review status: criteria provided, single submitter. Criteria: Invitae Variant Classification Sherloc (09022015). Collection method: clinical testing. Allele origin: germline.